The following is an entry in ClinVar:

NM_002350.4(LYN):c.1050+6A>G

Gene: LYN (LYN proto-oncogene, Src family tyrosine kinase; plus strand). Cytogenetic location: 8q12.1.
Variant type: single nucleotide variant.
Coding change: c.1050+6A>G on transcript NM_002350.4 (MANE Select); 6 bases into the intron after coding-DNA position 1050, A replaced by G.
Molecular consequence: intron variant.
Genome position (GRCh38, 1-based): chr8:55,969,799, A>G. VCF-style: chr8-55969799-A-G. GRCh37 (hg19) VCF-style: chr8-56882358-A-G.
Other names: c.987+6A>G (NM_001111097.3).
Identifiers: ClinVar variation 4762169 (VCV004762169.1).

ClinVar aggregate classification (germline): Uncertain significance (1 of 4 stars; one submission).

gnomAD v4.1: 8 of 1,613,600 alleles (0.0005%); highest among the groups gnomAD compares: East Asian, 0.013%; no homozygotes.

Submission:

Labcorp Genetics (formerly Invitae), Labcorp
Classification: Uncertain significance. Last evaluated: 2025-12-26. Review status: criteria provided, single submitter. Criteria: Invitae Variant Classification Sherloc (09022015). Collection method: clinical testing. Allele origin: germline.
Comment: This sequence change falls in intron 10 of the LYN gene. It does not directly change the encoded amino acid sequence of the LYN protein. It affects a nucleotide within the consensus splice site. This variant is present in population databases (rs749469706, gnomAD 0.01%). This variant has not been reported in the literature in individuals affected with LYN-related conditions. Variants that disrupt the consensus splice site are a relatively common cause of aberrant splicing (PMID: 17576681, 9536098). Algorithms developed to predict the effect of sequence changes on RNA splicing suggest that this variant is not likely to affect RNA splicing. In summary, the available evidence is currently insufficient to determine the role of this variant in disease. Therefore, it has been classified as a Variant of Uncertain Significance.

Literature cited by the submitters: PubMed 17576681; PubMed 9536098.